The following is an entry in ClinVar:

NM_001029896.2(WDR45):c.437-2A>C

Gene: WDR45 (WD repeat domain 45; minus strand). Cytogenetic location: Xp11.23.
Variant type: single nucleotide variant.
Coding change: c.437-2A>C on transcript NM_001029896.2 (MANE Select); the canonical splice acceptor site of the intron before coding-DNA position 437, A replaced by C.
Molecular consequence: splice acceptor variant.
Genome position (GRCh38, 1-based): chrX:49,075,947, T>G on the plus strand (A>C on the coding strand, the complement: WDR45 is on the minus strand). VCF-style: chrX-49075947-T-G. GRCh37 (hg19) VCF-style: chrX-48933606-T-G.
Other names: c.440-2A>C (NM_007075.4).
Identifiers: ClinVar variation 473122 (VCV000473122.9), dbSNP rs886041693, ClinGen allele CA412945582.

ClinVar aggregate classification (germline): Pathogenic (1 of 4 stars; one submission).

Conditions:
Neurodegeneration with brain iron accumulation 5 (NBIA5). Also called: Beta-propeller protein-associated neurodegeneration; STATIC ENCEPHALOPATHY OF CHILDHOOD WITH NEURODEGENERATION IN ADULTHOOD. Identifiers: Orphanet 329284, MedGen C3550973, MONDO:0010476, OMIM 300894.

Submission:

Labcorp Genetics (formerly Invitae), Labcorp
Classification: Pathogenic for Neurodegeneration with brain iron accumulation 5. Last evaluated: 2017-05-15. Review status: criteria provided, single submitter. Criteria: Invitae Variant Classification Sherloc (09022015). Collection method: clinical testing. Allele origin: germline.
Comment: A different variant affecting this nucleotide (c.440-2A>G) has been determined to be pathogenic (PMID: 26790960). This suggests that this nucleotide is important for normal RNA splicing, and that other variants at this position may also be pathogenic. In summary, donor and acceptor splice site variants are typically loss-of-function (PMID: 16199547), and loss-of-function variants in WDR45 are known to be pathogenic (PMID: 23176820, 24368176, 25744623). In addition, a different variant affecting this nucleotide has been determined to be pathogenic. For these reasons, this variant has been classified as Pathogenic. This variant is not present in population databases (ExAC no frequency) and has not been reported in the literature in individuals with a WDR45-related disease. This sequence change affects an acceptor splice site in intron 7 of the WDR45 gene. It is expected to disrupt RNA splicing and likely results in an absent or disrupted protein product.

Literature cited by the submitters: PubMed 26790960; PubMed 16199547; PubMed 23176820; PubMed 24368176; PubMed 25744623.